The following is an entry in ClinVar:

NM_001128840.3(CACNA1D):c.1877T>C (p.Ile626Thr)

Gene: CACNA1D (calcium voltage-gated channel subunit alpha1 D; plus strand). Cytogenetic location: 3p21.1.
Variant type: single nucleotide variant.
Coding change: c.1877T>C on transcript NM_001128840.3 (MANE Select); coding-DNA position 1877, T replaced by C.
Protein change: p.Ile626Thr; replaces isoleucine 626 with threonine.
Molecular consequence: missense variant.
Genome position (GRCh38, 1-based): chr3:53,723,644, T>C. VCF-style: chr3-53723644-T-C. GRCh37 (hg19) VCF-style: chr3-53757671-T-C.
Other names: c.1937T>C, p.Ile646Thr (NM_000720.4); c.1877T>C, p.Ile626Thr (NM_001128839.3); short protein forms I646T, I626T.
Identifiers: ClinVar variation 1999134 (VCV001999134.4), dbSNP rs2473697063, ClinGen allele CA353237579.

ClinVar aggregate classification (germline): Uncertain significance (1 of 4 stars; one submission).

Submission:

Labcorp Genetics (formerly Invitae), Labcorp
Classification: Uncertain significance. Last evaluated: 2022-05-26. Review status: criteria provided, single submitter. Criteria: Invitae Variant Classification Sherloc (09022015). Collection method: clinical testing. Allele origin: germline.
Comment: In summary, the available evidence is currently insufficient to determine the role of this variant in disease. Therefore, it has been classified as a Variant of Uncertain Significance. Algorithms developed to predict the effect of missense changes on protein structure and function (SIFT, PolyPhen-2, Align-GVGD) all suggest that this variant is likely to be disruptive. This variant has not been reported in the literature in individuals affected with CACNA1D-related conditions. This variant is not present in population databases (gnomAD no frequency). This sequence change replaces isoleucine, which is neutral and non-polar, with threonine, which is neutral and polar, at codon 646 of the CACNA1D protein (p.Ile646Thr).